The following is an entry in ClinVar:

ClinVar aggregate classification (germline): Conflicting classifications of pathogenicity. Review status: criteria provided, conflicting classifications (1 of 4 stars). 5 submissions from 5 submitters: Uncertain significance (3); Likely benign (1). 1 of the submissions does not count toward it. Last evaluated 2025-08-03.

Conditions:
Fanconi anemia (FA). Also called: Fanconi's anemia. Identifiers: Orphanet 84, MedGen C0015625, MeSH D005199, MONDO:0019391.
Hereditary cancer-predisposing syndrome. Also called: Neoplastic Syndromes, Hereditary; Tumor predisposition; Hereditary Cancer Syndrome; Hereditary neoplastic syndrome. Identifiers: Orphanet 140162, MedGen C0027672, MeSH D009386, MONDO:0015356.

Allele frequency attached by ClinVar (database versions not stated): gnomAD exomes below 0.00001 and 0.00001; TOPMed 0.00002; gnomAD 0.00003.

Submissions (5):

GeneDx
Classification: Uncertain significance. Last evaluated: 2025-08-03. Review status: criteria provided, single submitter. Criteria: GeneDx Variant Classification Process June 2021. Collection method: clinical testing. Allele origin: germline. Affected: yes.
Comment: Not observed at significant frequency in large population cohorts (gnomAD); In silico analysis suggests that this missense variant does not alter protein structure/function; Has not been previously published as pathogenic or benign to our knowledge; This variant is associated with the following publications: (PMID: Gordon2000[Book])

Labcorp Genetics (formerly Invitae), Labcorp
Classification: Uncertain significance for Fanconi anemia. Last evaluated: 2023-10-13. Review status: criteria provided, single submitter. Criteria: Invitae Variant Classification Sherloc (09022015). Collection method: clinical testing. Allele origin: germline.
Comment: This sequence change replaces methionine, which is neutral and non-polar, with leucine, which is neutral and non-polar, at codon 16 of the FANCC protein (p.Met16Leu). This variant is present in population databases (no rsID available, gnomAD 0.002%). This variant has not been reported in the literature in individuals affected with FANCC-related conditions. ClinVar contains an entry for this variant (Variation ID: 526382). Advanced modeling of protein sequence and biophysical properties (such as structural, functional, and spatial information, amino acid conservation, physicochemical variation, residue mobility, and thermodynamic stability) performed at Invitae indicates that this missense variant is not expected to disrupt FANCC protein function. In summary, the available evidence is currently insufficient to determine the role of this variant in disease. Therefore, it has been classified as a Variant of Uncertain Significance.

Ambry Genetics
Classification: Likely benign for Hereditary cancer-predisposing syndrome. Last evaluated: 2022-12-13. Review status: criteria provided, single submitter. Criteria: Ambry Variant Classification Scheme 2023. Collection method: clinical testing. Allele origin: germline.

St. Jude Molecular Pathology, St. Jude Children's Research Hospital
Classification: Uncertain significance for Fanconi anemia. Last evaluated: 2021-10-28. Review status: criteria provided, single submitter. Criteria: St. Jude Assertion Criteria 2020. Collection method: clinical testing. Allele origin: germline.
Comment: The FANCC c.46A>T (p.Met16Leu) missense change has a maximum subpopulation frequency of 0.0016% in gnomAD v2.1.1 (PM2_supporting). Six of six in silico tools predict a benign effect of this variant on protein function (BP4), but to our knowledge these predictions have not been confirmed by functional assays. To our knowledge, this variant has not been reported in individuals with Fanconi anemia. In summary, this variant meets criteria to be classified as of uncertain significance based on the ACMG/AMP criteria: PM2_supporting, BP4.

Natera, Inc.
Classification: Uncertain significance for Fanconi anemia. Last evaluated: 2018-08-24. Review status: no assertion criteria provided. Collection method: clinical testing. Allele origin: germline. Not counted in ClinVar's aggregate classification.

NM_000136.3(FANCC):c.46A>T (p.Met16Leu)

Gene: FANCC (FA complementation group C; minus strand). Cytogenetic location: 9q22.32.
Variant type: single nucleotide variant.
Coding change: c.46A>T on transcript NM_000136.3 (MANE Select); coding-DNA position 46, A replaced by T.
Protein change: p.Met16Leu; replaces methionine 16 with leucine.
Molecular consequence: missense variant.
Genome position (GRCh38, 1-based): chr9:95,249,246, T>A on the plus strand (A>T on the coding strand, the complement: FANCC is on the minus strand). VCF-style: chr9-95249246-T-A. GRCh37 (hg19) VCF-style: chr9-98011528-T-A.
Other names: c.46A>T, p.Met16Leu (NM_001243743.2, NM_001243744.2); short protein forms M16L.
Identifiers: ClinVar variation 526382 (VCV000526382.17), dbSNP rs1390412870, ClinGen allele CA374340454.
Genomic context (GRCh38, chr9:95,249,246, plus strand): 5'-GACAGGTGTCTTGCTGGGTTTCCAAAGTGGAAGCCTGATCCCATACAGAAAGCTTCTGCA[T>A]CCAAAACTGATAATCACAAGAAAGATCTACTGAATCTTGAGCCATCTTGGAAAAAGCGAA-3'
Protein context (NP_000127.2, residues 6-26): VDLSCDYQFW[Met16Leu]QKLSVWDQAS